The following is an entry in ClinVar:

ClinVar aggregate classification (germline): Uncertain significance. Review status: criteria provided, multiple submitters, no conflicts (2 of 4 stars). 2 submissions from 2 submitters: Uncertain significance (2). Last evaluated 2023-09-19.

Conditions:
Primary ciliary dyskinesia. Also called: Ciliary dyskinesia. Identifiers: Orphanet 244, MedGen C0008780, MONDO:0016575, HP:0012265.

gnomAD v4.1: 13 of 1,613,920 alleles (0.00081%); highest among the groups gnomAD compares: Middle Eastern, 0.017%; no homozygotes.

Submissions (2):

Molecular Genetics McLendon Clinical Laboratories, University of North Carolina at Chapel Hill
Classification: Uncertain significance for Primary ciliary dyskinesia. Last evaluated: 2023-09-19. Review status: criteria provided, single submitter. Criteria: ACMG Guidelines, 2015. Collection method: clinical testing. Allele origin: germline.

Labcorp Genetics (formerly Invitae), Labcorp
Classification: Uncertain significance for Primary ciliary dyskinesia. Last evaluated: 2023-02-27. Review status: criteria provided, single submitter. Criteria: Invitae Variant Classification Sherloc (09022015). Collection method: clinical testing. Allele origin: germline.
Comment: In summary, the available evidence is currently insufficient to determine the role of this variant in disease. Therefore, it has been classified as a Variant of Uncertain Significance. Advanced modeling of protein sequence and biophysical properties (such as structural, functional, and spatial information, amino acid conservation, physicochemical variation, residue mobility, and thermodynamic stability) performed at Invitae indicates that this missense variant is not expected to disrupt DNAH8 protein function. This variant has not been reported in the literature in individuals affected with DNAH8-related conditions. This variant is present in population databases (rs556109331, gnomAD 0.006%). This sequence change replaces asparagine, which is neutral and polar, with isoleucine, which is neutral and non-polar, at codon 1943 of the DNAH8 protein (p.Asn1943Ile).

NM_001206927.2(DNAH8):c.5828A>T (p.Asn1943Ile)

Gene: DNAH8 (dynein axonemal heavy chain 8; plus strand). Cytogenetic location: 6p21.2.
Variant type: single nucleotide variant.
Coding change: c.5828A>T on transcript NM_001206927.2 (MANE Select); coding-DNA position 5828, A replaced by T.
Protein change: p.Asn1943Ile; replaces asparagine 1943 with isoleucine.
Molecular consequence: missense variant.
Genome position (GRCh38, 1-based): chr6:38,857,612, A>T. VCF-style: chr6-38857612-A-T. GRCh37 (hg19) VCF-style: chr6-38825388-A-T.
Other names: c.5177A>T, p.Asn1726Ile (NM_001371.4); c.5828A>T (NM_001206927.1); short protein forms N1943I, N1726I.
Identifiers: ClinVar variation 2769516 (VCV002769516.4), dbSNP rs556109331, ClinGen allele CA3789490.